The following is an entry in ClinVar:

NM_181332.3(NLGN4X):c.746C>T (p.Thr249Ile)

Gene: NLGN4X (neuroligin 4 X-linked; minus strand). Cytogenetic location: Xp22.32.
Variant type: single nucleotide variant.
Coding change: c.746C>T on transcript NM_181332.3 (MANE Select); coding-DNA position 746, C replaced by T.
Protein change: p.Thr249Ile; replaces threonine 249 with isoleucine.
Molecular consequence: missense variant.
Genome position (GRCh38, 1-based): chrX:5,909,119, G>A on the plus strand (C>T on the coding strand, the complement: NLGN4X is on the minus strand). VCF-style: chrX-5909119-G-A. GRCh37 (hg19) VCF-style: chrX-5827160-G-A.
Other names: c.746C>T, p.Thr249Ile (NM_001441323.1, NM_001441324.1, NM_001441325.1 and 4 more transcripts); short protein forms T249I.
Identifiers: ClinVar variation 5018123 (VCV005018123.1).

ClinVar aggregate classification (germline): Uncertain significance (1 of 4 stars; one submission).

Submission:

GeneDx
Classification: Uncertain significance. Last evaluated: 2026-04-02. Review status: criteria provided, single submitter. Criteria: GeneDx Variant Classification Process June 2021. Collection method: clinical testing. Allele origin: germline.
Comment: Not observed at significant frequency in large population cohorts (gnomAD); In silico analysis supports that this missense variant has a deleterious effect on protein structure/function; Has not been previously published as pathogenic or benign to our knowledge